The following is an entry in ClinVar:

ClinVar aggregate classification (germline): Uncertain significance (1 of 4 stars; one submission).

Conditions:
Congenital myasthenic syndrome 8. Also called: Myasthenic syndrome, congenital, 8, with pre- and postsynaptic defects; MYASTHENIC SYNDROME, CONGENITAL, DUE TO AGRIN DEFICIENCY. Identifiers: Orphanet 590, MedGen C3808739, MONDO:0014052, OMIM 615120.

Allele frequency attached by ClinVar (database versions not stated): gnomAD exomes below 0.00001.
gnomAD v4.1: 2 of 1,611,844 alleles (0.00012%); highest among the groups gnomAD compares: South Asian, 0.0011%; no homozygotes.

Submission:

Labcorp Genetics (formerly Invitae), Labcorp
Classification: Uncertain significance for Congenital myasthenic syndrome 8. Last evaluated: 2022-07-06. Review status: criteria provided, single submitter. Criteria: Invitae Variant Classification Sherloc (09022015). Collection method: clinical testing. Allele origin: germline.
Comment: ClinVar contains an entry for this variant (Variation ID: 1509594). In summary, the available evidence is currently insufficient to determine the role of this variant in disease. Therefore, it has been classified as a Variant of Uncertain Significance. Algorithms developed to predict the effect of missense changes on protein structure and function are either unavailable or do not agree on the potential impact of this missense change (SIFT: "Deleterious"; PolyPhen-2: "Possibly Damaging"; Align-GVGD: "Class C0"). This variant has not been reported in the literature in individuals affected with AGRN-related conditions. This variant is not present in population databases (gnomAD no frequency). This sequence change replaces alanine, which is neutral and non-polar, with threonine, which is neutral and polar, at codon 781 of the AGRN protein (p.Ala781Thr).

NM_198576.4(AGRN):c.2341G>A (p.Ala781Thr)

Gene: AGRN (agrin; plus strand). Cytogenetic location: 1p36.33.
Variant type: single nucleotide variant.
Coding change: c.2341G>A on transcript NM_198576.4 (MANE Select); coding-DNA position 2341, G replaced by A.
Protein change: p.Ala781Thr; replaces alanine 781 with threonine.
Molecular consequence: missense variant.
Genome position (GRCh38, 1-based): chr1:1,045,247, G>A. VCF-style: chr1-1045247-G-A. GRCh37 (hg19) VCF-style: chr1-980627-G-A.
Other names: c.2341G>A, p.Ala781Thr (NM_001305275.2); c.2026G>A, p.Ala676Thr (NM_001364727.2); short protein forms A676T, A781T.
Identifiers: ClinVar variation 1509594 (VCV001509594.6), dbSNP rs2100653148, ClinGen allele CA337838790.
Genomic context (GRCh38, chr1:1,045,247, plus strand): 5'-GTGGCCCCCTTACACTGTGCCCAGACGCCCTACGGCTGCTGCCAGGACAATATCACCGCA[G>A]CCCGGGGCGTGGGCCTGGCTGGCTGCCCCAGTGAGTACCTGAGCTCAGCCCCGACCCCGG-3'
Protein context (NP_940978.2, residues 771-791): YGCCQDNITA[Ala781Thr]RGVGLAGCPS